The following is an entry in ClinVar:

NM_007078.3(LDB3):c.897-11C>G

Gene: LDB3 (LIM domain binding 3; plus strand). Cytogenetic location: 10q23.2.
Variant type: single nucleotide variant.
Coding change: c.897-11C>G on transcript NM_007078.3 (MANE Select); 11 bases into the intron before coding-DNA position 897, C replaced by G.
Molecular consequence: intron variant.
Genome position (GRCh38, 1-based): chr10:86,706,520, C>G. VCF-style: chr10-86706520-C-G. GRCh37 (hg19) VCF-style: chr10-88466277-C-G.
Other names: c.897-3385C>G (NM_001368064.1, NM_001368065.1); c.1101-3385C>G (NM_001171610.2); c.756-11C>G (NM_001368066.1); c.756-3385C>G (NM_001080114.2).
Identifiers: ClinVar variation 1309140 (VCV001309140.4), dbSNP rs766463668, ClinGen allele CA594903572.

ClinVar aggregate classification (germline): Uncertain significance. Review status: criteria provided, multiple submitters, no conflicts (2 of 4 stars). 2 submissions from 2 submitters: Uncertain significance (2). Last evaluated 2024-11-21.

Conditions:
Myofibrillar myopathy 4. Also called: Zaspopathy (type). Identifiers: Orphanet 98912, MedGen C4721886, MONDO:0012277, OMIM 609452.

Allele frequency attached by ClinVar (database versions not stated): gnomAD 0.00001.
gnomAD v4.1: 3 of 1,611,556 alleles (0.00019%); highest among the groups gnomAD compares: African/African-American, 0.0027%; no homozygotes.

Submissions (2):

Labcorp Genetics (formerly Invitae), Labcorp
Classification: Uncertain significance for Myofibrillar myopathy 4. Last evaluated: 2024-11-21. Review status: criteria provided, single submitter. Criteria: Invitae Variant Classification Sherloc (09022015). Collection method: clinical testing. Allele origin: germline.
Comment: The LDB3 gene has multiple clinically relevant transcripts. This variant occurs in alternate transcript NM_007078.3, and corresponds to NM_001080116.1:c.*7146C>G in the primary transcript. This sequence change falls in intron 7 of the LDB3 gene. It does not directly change the encoded amino acid sequence of the LDB3 protein. This variant is present in population databases (no rsID available, gnomAD 0.004%). This variant has not been reported in the literature in individuals affected with LDB3-related conditions. Experimental studies and prediction algorithms are not available or were not evaluated, and the effect of this variant on mRNA splicing is currently unknown. In summary, the available evidence is currently insufficient to determine the role of this variant in disease. Therefore, it has been classified as a Variant of Uncertain Significance.

GeneDx
Classification: Uncertain significance. Last evaluated: 2019-10-11. Review status: criteria provided, single submitter. Criteria: GeneDx Variant Classification Process June 2021. Collection method: clinical testing. Allele origin: germline. Affected: yes.
Comment: Has not been previously published as pathogenic or benign to our knowledge; Not observed at a significant frequency in large population cohorts (Lek et al., 2016); In silico analysis, which includes solice predictors and evolutionary conservation, supports a deleterious effect